The following is an entry in ClinVar:

ClinVar aggregate classification (germline): Conflicting classifications of pathogenicity. Review status: criteria provided, conflicting classifications (1 of 4 stars). 2 submissions from 2 submitters: Uncertain significance (1); Likely benign (1). Last evaluated 2024-07-29.

Conditions:
Neurodevelopmental disorder with or without hyperkinetic movements and seizures, autosomal dominant. Also called: Intellectual disability, autosomal dominant 8. Identifiers: MedGen C3280282, MONDO:0013655, OMIM 614254.

Allele frequency attached by ClinVar (database versions not stated): gnomAD exomes below 0.00001; TOPMed below 0.00001; gnomAD 0.00001.

Submissions (2):

GeneDx
Classification: Uncertain significance. Last evaluated: 2024-07-29. Review status: criteria provided, single submitter. Criteria: GeneDx Variant Classification Process June 2021. Collection method: clinical testing. Allele origin: germline. Affected: yes.
Comment: Not observed at significant frequency in large population cohorts (gnomAD); In silico analysis indicates that this missense variant does not alter protein structure/function; Has not been previously published as pathogenic or benign to our knowledge

Labcorp Genetics (formerly Invitae), Labcorp
Classification: Likely benign for Neurodevelopmental disorder with or without hyperkinetic movements and seizures, autosomal dominant. Last evaluated: 2022-07-26. Review status: criteria provided, single submitter. Criteria: Invitae Variant Classification Sherloc (09022015). Collection method: clinical testing. Allele origin: germline.

NM_007327.4(GRIN1):c.907G>A (p.Asp303Asn)

Gene: GRIN1 (glutamate ionotropic receptor NMDA type subunit 1; plus strand). Cytogenetic location: 9q34.3.
Variant type: single nucleotide variant.
Coding change: c.907G>A on transcript NM_007327.4 (MANE Select); coding-DNA position 907, G replaced by A.
Protein change: p.Asp303Asn; replaces aspartic acid 303 with asparagine.
Molecular consequence: missense variant.
Genome position (GRCh38, 1-based): chr9:137,156,976, G>A. VCF-style: chr9-137156976-G-A. GRCh37 (hg19) VCF-style: chr9-140051428-G-A.
Other names: c.907G>A, p.Asp303Asn (NM_000832.7, NM_021569.4); c.970G>A, p.Asp324Asn (NM_001185090.2, NM_001185091.2); c.907G>A (NM_007327.3); short protein forms D324N, D303N.
Identifiers: ClinVar variation 1402263 (VCV001402263.11), dbSNP rs200758208, ClinGen allele CA201738478.